The following is an entry in ClinVar:

ClinVar aggregate classification (germline): Uncertain significance (1 of 4 stars; one submission).

Conditions:
Familial hypocalciuric hypercalcemia (FHH). Also called: Familial benign hypercalcemia. Identifiers: Orphanet 405, MedGen C1809471, MONDO:0018458.
Autosomal dominant hypocalcemia 1 (HYPOC1). Also called: HYPOCALCEMIA, FAMILIAL. Identifiers: MedGen C3715128, MONDO:0011013, OMIM 601198.

Submission:

Labcorp Genetics (formerly Invitae), Labcorp
Classification: Uncertain significance for Familial hypocalciuric hypercalcemia; Autosomal dominant hypocalcemia 1. Last evaluated: 2024-03-20. Review status: criteria provided, single submitter. Criteria: Invitae Variant Classification Sherloc (09022015). Collection method: clinical testing. Allele origin: germline.
Comment: This sequence change replaces cysteine, which is neutral and slightly polar, with tryptophan, which is neutral and slightly polar, at codon 101 of the CASR protein (p.Cys101Trp). This variant is not present in population databases (gnomAD no frequency). This missense change has been observed in individual(s) with clinical features of familial hypocalciuric hypercalcemia (PMID: 26963950). An algorithm developed to predict the effect of missense changes on protein structure and function (PolyPhen-2) suggests that this variant is likely to be disruptive. In summary, the available evidence is currently insufficient to determine the role of this variant in disease. Therefore, it has been classified as a Variant of Uncertain Significance.

Literature cited by the submitters: PubMed 26963950.

NM_000388.4(CASR):c.303C>G (p.Cys101Trp)

Gene: CASR (calcium sensing receptor; plus strand). Cytogenetic location: 3q21.1.
Variant type: single nucleotide variant.
Coding change: c.303C>G on transcript NM_000388.4 (MANE Select); coding-DNA position 303, C replaced by G.
Protein change: p.Cys101Trp; replaces cysteine 101 with tryptophan.
Molecular consequence: missense variant.
Genome position (GRCh38, 1-based): chr3:122,257,198, C>G. VCF-style: chr3-122257198-C-G. GRCh37 (hg19) VCF-style: chr3-121976045-C-G.
Other names: c.303C>G, p.Cys101Trp (NM_001178065.2); short protein forms C101W.
Identifiers: ClinVar variation 3756392 (VCV003756392.2).